The following is an entry in ClinVar:

NM_005236.3(ERCC4):c.1197_1198insCA (p.Ala400fs)

Gene: ERCC4 (ERCC excision repair 4, endonuclease catalytic subunit; plus strand). Cytogenetic location: 16p13.12.
Variant type: Insertion.
Coding change: c.1197_1198insCA on transcript NM_005236.3 (MANE Select); coding-DNA positions 1197 to 1198, CA inserted.
Protein change: p.Ala400fs; shifts the reading frame from alanine 400.
Molecular consequence: frameshift variant.
Genome position: GRCh38 VCF-style: chr16-13934285-A-AAC. GRCh37 (hg19) VCF-style: chr16-14028142-A-AAC.
Other names: short protein forms A400fs.
Identifiers: ClinVar variation 1324343 (VCV001324343.9), dbSNP rs779091652, ClinGen allele CA7910409.

ClinVar aggregate classification (germline): Pathogenic/Likely pathogenic. Review status: criteria provided, multiple submitters, no conflicts (2 of 4 stars). 3 submissions from 3 submitters: Pathogenic (1); Likely pathogenic (1). 1 of the submissions does not count toward it. Last evaluated 2025-03-17.

Conditions:
Cockayne syndrome. Identifiers: Orphanet 191, MedGen C0009207, MONDO:0016006.
Fanconi anemia complementation group Q. Identifiers: Orphanet 84, MedGen C3808988, MONDO:0014108, OMIM 615272.
Xeroderma pigmentosum, group F (XPF). Also called: XERODERMA PIGMENTOSUM, COMPLEMENTATION GROUP F; ERCC4-Related Xeroderma Pigmentosum; XERODERMA PIGMENTOSUM VI; XP, GROUP F; XERODERMA PIGMENTOSUM, TYPE F; Xeroderma pigmentosum, type 6. Identifiers: MedGen C0268140, MONDO:0010215, OMIM 278760.

Submissions (3):

Labcorp Genetics (formerly Invitae), Labcorp
Classification: Pathogenic for Fanconi anemia complementation group Q; Xeroderma pigmentosum, group F; Cockayne syndrome. Last evaluated: 2025-03-17. Review status: criteria provided, single submitter. Criteria: Invitae Variant Classification Sherloc (09022015). Collection method: clinical testing. Allele origin: germline.
Comment: This sequence change creates a premature translational stop signal (p.Ala400Glnfs*10) in the ERCC4 gene. It is expected to result in an absent or disrupted protein product. Loss-of-function variants in ERCC4 are known to be pathogenic (PMID: 9580660). This variant is present in population databases (rs779091652, gnomAD 0.003%). This variant has not been reported in the literature in individuals affected with ERCC4-related conditions. ClinVar contains an entry for this variant (Variation ID: 1324343). For these reasons, this variant has been classified as Pathogenic.

Revvity Omics, Revvity
Classification: Likely pathogenic. Last evaluated: 2019-06-28. Review status: criteria provided, single submitter. Criteria: ACMG Guidelines, 2015. Collection method: clinical testing. Allele origin: germline.

Genetic Services Laboratory, University of Chicago
Classification: Likely pathogenic. Last evaluated: 2022-10-20. Review status: no assertion criteria provided. Collection method: clinical testing. Allele origin: germline. Affected: yes. Not counted in ClinVar's aggregate classification.
Comment: DNA sequence analysis of the ERCC4 gene demonstrated a 2 base pair insertion in exon 7, c.1197_1198insCA. This likely pathogenic sequence change results in an amino acid frameshift and creates a premature stop codon 10 amino acids downstream of the change, p.Ala400Glnfs*10. This likely pathogenic sequence change is predicted to result in an abnormal transcript, which may be degraded, or may lead to the production of a truncated ERCC4 protein with potentially abnormal function. This sequence change has been described in the gnomAD database in 3 individuals which corresponds to a population frequency of 0.0012% (dbSNP rs779091652). While this insertion has not previously been described in the literature, other frameshift and truncating variants in the ERCC4 gene have been described in individuals with ERCC4-related disorders (PMID: 9580660, 29892709). Based on these evidences this variant is interpreted as likely pathogenic.

Literature cited by the submitters: PubMed 9580660 (cited by Labcorp Genetics (formerly Invitae), Labcorp).